The following is an entry in ClinVar:

NM_000271.5(NPC1):c.3099C>T (p.Val1033=)

Gene: NPC1 (NPC intracellular cholesterol transporter 1; minus strand). Cytogenetic location: 18q11.2.
Variant type: single nucleotide variant.
Coding change: c.3099C>T on transcript NM_000271.5 (MANE Select); coding-DNA position 3099, C replaced by T.
Protein change: p.Val1033=; no amino-acid change (valine 1033 retained).
Molecular consequence: synonymous variant.
Genome position (GRCh38, 1-based): chr18:23,536,819, G>A on the plus strand (C>T on the coding strand, the complement: NPC1 is on the minus strand). VCF-style: chr18-23536819-G-A. GRCh37 (hg19) VCF-style: chr18-21116783-G-A.
Identifiers: ClinVar variation 754801 (VCV000754801.12), dbSNP rs753304482, ClinGen allele CA8912857.

ClinVar aggregate classification (germline): Likely benign. Review status: criteria provided, single submitter (1 of 4 stars). 2 submissions from 2 submitters: Likely benign (1). 1 of the submissions does not count toward it. Last evaluated 2026-01-28.

Conditions:
NPC1-related disorder. Also called: NPC1-related condition.
Niemann-Pick disease, type C1. Also called: NEUROVISCERAL STORAGE DISEASE WITH VERTICAL SUPRANUCLEAR OPHTHALMOPLEGIA; NIEMANN-PICK DISEASE WITH CHOLESTEROL ESTERIFICATION BLOCK; NIEMANN-PICK DISEASE WITHOUT SPHINGOMYELINASE DEFICIENCY; NIEMANN-PICK DISEASE, CHRONIC NEURONOPATHIC FORM; NIEMANN-PICK DISEASE, VARIANT TYPE C1. Identifiers: Orphanet 646, MedGen C3179455, MONDO:0009757, OMIM 257220.

Allele frequency attached by ClinVar (database versions not stated): TOPMed below 0.00001; gnomAD 0.00001 and 0.00003; ExAC 0.00003; gnomAD exomes 0.00004.
gnomAD v4.1: 39 of 1,613,992 alleles (0.0024%); highest among the groups gnomAD compares: South Asian, 0.03%; no homozygotes.

Submissions (2):

Labcorp Genetics (formerly Invitae), Labcorp
Classification: Likely benign for Niemann-Pick disease, type C1. Last evaluated: 2026-01-28. Review status: criteria provided, single submitter. Criteria: Invitae Variant Classification Sherloc (09022015). Collection method: clinical testing. Allele origin: germline.

PreventionGenetics, part of Exact Sciences
Classification: Likely benign for NPC1-related condition. Last evaluated: 2023-05-08. Review status: no assertion criteria provided. Collection method: clinical testing. Allele origin: germline. Not counted in ClinVar's aggregate classification.
Comment: This variant is classified as likely benign based on ACMG/AMP sequence variant interpretation guidelines (Richards et al. 2015 PMID: 25741868, with internal and published modifications).